The following is an entry in ClinVar:

ClinVar aggregate classification (germline): Likely benign (1 of 4 stars; one submission).

Allele frequency attached by ClinVar (database versions not stated): 1000 Genomes Project 30x 0.00031; gnomAD exomes 0.00039; gnomAD 0.00054; TOPMed 0.00060; ESP Exome Variant Server 0.00066; ExAC 0.00200; 1000 Genomes Project 0.00020.
gnomAD v4.1: 694 of 1,551,618 alleles (0.045%); highest among the groups gnomAD compares: East Asian, 0.076%; 7 homozygotes.

Submission:

CeGaT Center for Human Genetics Tuebingen
Classification: Likely benign. Last evaluated: 2025-11-01. Review status: criteria provided, single submitter. Criteria: CeGaT Center For Human Genetics Tuebingen Variant Classification Criteria Version 2. Collection method: clinical testing. Allele origin: germline. Affected: yes. Observed: 2 variant alleles.
Comment: EXOC7: BP4, BP7

NM_001013839.4(EXOC7):c.901+792C>T

Gene: EXOC7 (exocyst complex component 7; minus strand). Cytogenetic location: 17q25.1.
Variant type: single nucleotide variant.
Coding change: c.901+792C>T on transcript NM_001013839.4 (MANE Select); 792 bases into the intron after coding-DNA position 901, C replaced by T.
Molecular consequence: intron variant. On other transcripts: synonymous variant (4).
Genome position (GRCh38, 1-based): chr17:76,090,351, G>A on the plus strand (C>T on the coding strand, the complement: EXOC7 is on the minus strand). VCF-style: chr17-76090351-G-A. GRCh37 (hg19) VCF-style: chr17-74086432-G-A.
Other names: c.1032C>T, p.Asn344= (NM_001145297.4); c.855C>T, p.Asn285= (NM_001145298.4); c.948C>T, p.Asn316= (NM_001145299.4, NM_001375976.1); c.809-1031C>T (NM_015219.5, NM_001375975.1); c.901+792C>T (NM_001375974.1); c.778+792C>T (NM_001282313.2).
Identifiers: ClinVar variation 2648295 (VCV002648295.24), dbSNP rs371314157, ClinGen allele CA8781483.